The following is an entry in ClinVar:

ClinVar aggregate classification (germline): Uncertain significance (1 of 4 stars; one submission).

Conditions:
Alstrom syndrome (ALMS). Identifiers: Orphanet 64, MedGen C0268425, MONDO:0008763, OMIM 203800.

Submission:

Labcorp Genetics (formerly Invitae), Labcorp
Classification: Uncertain significance for Alstrom syndrome. Last evaluated: 2022-02-28. Review status: criteria provided, single submitter. Criteria: Invitae Variant Classification Sherloc (09022015). Collection method: clinical testing. Allele origin: germline.
Comment: This variant, c.11281_11283del, results in the deletion of 1 amino acid(s) of the ALMS1 protein (p.Thr3761del), but otherwise preserves the integrity of the reading frame. This variant is not present in population databases (gnomAD no frequency). This variant has not been reported in the literature in individuals affected with ALMS1-related conditions. Experimental studies and prediction algorithms are not available or were not evaluated, and the functional significance of this variant is currently unknown. In summary, the available evidence is currently insufficient to determine the role of this variant in disease. Therefore, it has been classified as a Variant of Uncertain Significance.

NM_001378454.1(ALMS1):c.11278_11280del (p.Thr3760del)

Gene: ALMS1 (ALMS1 centrosome and basal body associated protein; plus strand). Cytogenetic location: 2p13.1.
Variant type: Deletion.
Coding change: c.11278_11280del on transcript NM_001378454.1 (MANE Select); coding-DNA positions 11278 to 11280, 3 bases deleted (ACT; older notation c.11278_11280delACT).
Protein change: p.Thr3760del; deletes threonine 3760.
Molecular consequence: inframe deletion.
Genome position (GRCh38, 1-based): chr2:73,573,155-73,573,157, ACT deleted; deleting any 3 consecutive bases within chr2:73,573,153-73,573,157 gives the same sequence; the c. name uses the placement nearest the transcript's 3' end. VCF-style (leftmost placement, unchanged base first): chr2-73573152-TCTA-T. GRCh37 (hg19) VCF-style: chr2-73800279-TCTA-T.
Other names: c.11281_11283del, p.Thr3761del (NM_015120.4); short protein forms T3760del, T3761del.
Identifiers: ClinVar variation 1946459 (VCV001946459.5), dbSNP rs2466446870, ClinGen allele CA2580068176.